The following is an entry in ClinVar:

NM_176787.5(PIGN):c.953A>T (p.Asp318Val)

Gene: PIGN (phosphatidylinositol glycan anchor biosynthesis class N; minus strand). Cytogenetic location: 18q21.33.
Variant type: single nucleotide variant.
Coding change: c.953A>T on transcript NM_176787.5 (MANE Select); coding-DNA position 953, A replaced by T.
Protein change: p.Asp318Val; replaces aspartic acid 318 with valine.
Molecular consequence: missense variant.
Genome position (GRCh38, 1-based): chr18:62,143,316, T>A on the plus strand (A>T on the coding strand, the complement: PIGN is on the minus strand). VCF-style: chr18-62143316-T-A. GRCh37 (hg19) VCF-style: chr18-59810549-T-A.
Other names: c.953A>T, p.Asp318Val (NM_012327.6); short protein forms D318V.
Identifiers: ClinVar variation 641991 (VCV000641991.8), dbSNP rs1599620627, ClinGen allele CA402608230.

ClinVar aggregate classification (germline): Uncertain significance (1 of 4 stars; one submission).

Conditions:
Multiple congenital anomalies-hypotonia-seizures syndrome 1 (MCAHS1). Also called: PIGN-CDG; Congenital disorder of glycosylation due to PIGN deficiency; GLYCOSYLPHOSPHATIDYLINOSITOL BIOSYNTHESIS DEFECT 3. Identifiers: Orphanet 280633, MedGen C3279775, MONDO:0013563, OMIM 614080.

Submission:

Labcorp Genetics (formerly Invitae), Labcorp
Classification: Uncertain significance for Multiple congenital anomalies-hypotonia-seizures syndrome 1. Last evaluated: 2018-10-24. Review status: criteria provided, single submitter. Criteria: Invitae Variant Classification Sherloc (09022015). Collection method: clinical testing. Allele origin: germline.
Comment: In summary, the available evidence is currently insufficient to determine the role of this variant in disease. Therefore, it has been classified as a Variant of Uncertain Significance. Algorithms developed to predict the effect of missense changes on protein structure and function (SIFT, PolyPhen-2, Align-GVGD) all suggest that this variant is likely to be disruptive, but these predictions have not been confirmed by published functional studies and their clinical significance is uncertain. This variant has not been reported in the literature in individuals with PIGN-related disease. This variant is not present in population databases (ExAC no frequency). This sequence change replaces aspartic acid with valine at codon 318 of the PIGN protein (p.Asp318Val). The aspartic acid residue is highly conserved and there is a large physicochemical difference between aspartic acid and valine.